The following is an entry in ClinVar:

NM_001082971.2(DDC):c.714+255C>A

Gene: DDC (dopa decarboxylase; minus strand). Cytogenetic location: 7p12.1.
Variant type: single nucleotide variant.
Coding change: c.714+255C>A on transcript NM_001082971.2 (MANE Select); 255 bases into the intron after coding-DNA position 714, C replaced by A.
Molecular consequence: intron variant.
Genome position (GRCh38, 1-based): chr7:50,527,882, G>T on the plus strand (C>A on the coding strand, the complement: DDC is on the minus strand). VCF-style: chr7-50527882-G-T. GRCh37 (hg19) VCF-style: chr7-50595580-G-T.
Other names: c.480+255C>A (NM_001242888.2); c.600+255C>A (NM_001242886.2); c.435+9978C>A (NM_001242889.2); c.570+1326C>A (NM_001242887.2); c.714+255C>A (NM_000790.4, NM_001242890.2).
Identifiers: ClinVar variation 4847626 (VCV004847626.1).

ClinVar aggregate classification (germline): Uncertain significance (1 of 4 stars; one submission).

Submission:

Women's Health and Genetics/Laboratory Corporation of America, LabCorp
Classification: Uncertain significance. Last evaluated: 2026-03-27. Review status: criteria provided, single submitter. Criteria: LabCorp Variant Classification Summary - May 2015. Collection method: clinical testing. Allele origin: germline.
Comment: Variant summary: DDC c.714+255C>A is located at a position not widely known to affect splicing. Consensus agreement among computation tools predict no significant impact on normal splicing. At least one publication reports experimental evidence that this variant affects mRNA splicing in multiple in vitro minigene assays resulting in the generation of a novel cryptic splicing site which led to the introduction of a novel stop codon, however the methodology of these experiments did not allow clear conclusions to be drawn (example, Koshimizu_2024). The variant was absent in 31322 control chromosomes. c.714+255C>A has been observed in the compound heterozygous state in 2 related individual(s) affected with enzymatically confirmed severe Deficiency Of Aromatic-L-Amino-Acid Decarboxylase (example, Ide_2010, Koshimizu_2024). These data indicate that the variant may be associated with disease. The following publications have been ascertained in the context of this evaluation (PMID: 38216729, 19520530). No submitters have cited clinical-significance assessments for this variant to ClinVar. Based on the evidence outlined above, the variant was classified as uncertain significance.

Literature cited by the submitters: PubMed 19520530; PubMed 38216729.